The following is an entry in ClinVar:

NM_001438.4(ESRRG):c.446A>G (p.Lys149Arg)

Gene: ESRRG (estrogen related receptor gamma; minus strand). Cytogenetic location: 1q41.
Variant type: single nucleotide variant.
Coding change: c.446A>G on transcript NM_001438.4 (MANE Select); coding-DNA position 446, A replaced by G.
Protein change: p.Lys149Arg; replaces lysine 149 with arginine.
Molecular consequence: missense variant. On other transcripts: intron variant (2).
Genome position (GRCh38, 1-based): chr1:216,677,102, T>C on the plus strand (A>G on the coding strand, the complement: ESRRG is on the minus strand). VCF-style: chr1-216677102-T-C. GRCh37 (hg19) VCF-style: chr1-216850444-T-C.
Other names: c.377A>G, p.Lys126Arg (NM_001134285.3, NM_001243507.2, NM_001243509.2 and 13 more transcripts); c.461A>G, p.Lys154Arg (NM_001243518.2); c.-164-109004A>G (NM_001243505.2); c.-83-26013A>G (NM_001243506.2); short protein forms K126R, K149R, K154R.
Identifiers: ClinVar variation 4530564 (VCV004530564.1).
Genomic context (GRCh38, chr1:216,677,102, plus strand): 5'-AAGTGGGGAGAGTATTCCCAGGTCCGACACTAACCTTGAATTGTCCTCTTGAAGAATGCC[T>C]TGCAGGCTTCACATGATGCTACCCCATAGTGGTACCCAGAAGCGATGTCACCACACACTA-3'
Protein context (NP_001429.2, residues 139-159): HYGVASCEAC[Lys149Arg]AFFKRTIQGN

ClinVar aggregate classification (germline): Likely pathogenic (1 of 4 stars; one submission).

Conditions:
Movement disorder. Also called: Movement disorders; Abnormality of movement. Identifiers: MedGen C0026650, MONDO:0005395, HP:0100022.

Submission:

Institute of Human Genetics, University of Leipzig Medical Center
Classification: Likely pathogenic for Movement disorder. Last evaluated: 2025-11-14. Review status: criteria provided, single submitter. Criteria: ACMG Guidelines, 2015. Collection method: clinical testing. Allele origin: de novo. Inheritance: Autosomal dominant inheritance. Affected: yes. Observed: 1 variant allele.
Comment: Criteria applied: PS2_MOD, PS3_SUP, PM1_SUP, PM2, PP2, PP3

Literature cited by the submitters: DOI 10.1016/j.ajhg.2025.10.015.